The following is an entry in ClinVar:

NM_182961.4(SYNE1):c.21007T>C (p.Trp7003Arg)

Gene: SYNE1 (spectrin repeat containing nuclear envelope protein 1; minus strand). Cytogenetic location: 6q25.2.
Variant type: single nucleotide variant.
Coding change: c.21007T>C on transcript NM_182961.4 (MANE Select); coding-DNA position 21007, T replaced by C.
Protein change: p.Trp7003Arg; replaces tryptophan 7003 with arginine.
Molecular consequence: missense variant.
Genome position (GRCh38, 1-based): chr6:152,231,423, A>G on the plus strand (T>C on the coding strand, the complement: SYNE1 is on the minus strand). VCF-style: chr6-152231423-A-G. GRCh37 (hg19) VCF-style: chr6-152552558-A-G.
Other names: c.20794T>C, p.Trp6932Arg (NM_033071.5); short protein forms W6932R, W7003R.
Identifiers: ClinVar variation 1396359 (VCV001396359.6), dbSNP rs2082723314, ClinGen allele CA366114410.

ClinVar aggregate classification (germline): Uncertain significance (1 of 4 stars; one submission).

Conditions:
Emery-Dreifuss muscular dystrophy 4, autosomal dominant (EDMD4). Also called: EMERY-DREIFUSS MUSCULAR DYSTROPHY 4 WITH VARIABLE FEATURES. Identifiers: Orphanet 261, MedGen C2751807, MONDO:0013071, OMIM 612998.
Autosomal recessive ataxia, Beauce type. Also called: SYNE1-Related Autosomal Recessive Cerebellar Ataxia; Spinocerebellar ataxia, autosomal recessive 8; ATAXIA, RECESSIVE, OF BEAUCE; SYNE1 Deficiency. Identifiers: Orphanet 88644, MedGen C1853116, MONDO:0012549, OMIM 610743.

Submission:

Labcorp Genetics (formerly Invitae), Labcorp
Classification: Uncertain significance for Emery-Dreifuss muscular dystrophy 4, autosomal dominant; Autosomal recessive ataxia, Beauce type. Last evaluated: 2021-12-04. Review status: criteria provided, single submitter. Criteria: Invitae Variant Classification Sherloc (09022015). Collection method: clinical testing. Allele origin: germline.
Comment: This variant has not been reported in the literature in individuals affected with SYNE1-related conditions. In summary, the available evidence is currently insufficient to determine the role of this variant in disease. Therefore, it has been classified as a Variant of Uncertain Significance. Algorithms developed to predict the effect of missense changes on protein structure and function (SIFT, PolyPhen-2, Align-GVGD) all suggest that this variant is likely to be disruptive. This variant is not present in population databases (gnomAD no frequency). This sequence change replaces tryptophan, which is neutral and slightly polar, with arginine, which is basic and polar, at codon 6932 of the SYNE1 protein (p.Trp6932Arg).